The following is an entry in ClinVar:

ClinVar aggregate classification (germline): Uncertain significance. Review status: criteria provided, multiple submitters, no conflicts (2 of 4 stars). 2 submissions from 2 submitters: Uncertain significance (2). Last evaluated 2025-11-24.

Allele frequency attached by ClinVar (database versions not stated): TOPMed 0.00001; gnomAD exomes 0.00002 and 0.00003.
gnomAD v4.1: 36 of 1,573,300 alleles (0.0023%); highest among the groups gnomAD compares: Non-Finnish European, 0.0029%; no homozygotes.

Submissions (2):

Labcorp Genetics (formerly Invitae), Labcorp
Classification: Uncertain significance. Last evaluated: 2025-11-24. Review status: criteria provided, single submitter. Criteria: Invitae Variant Classification Sherloc (09022015). Collection method: clinical testing. Allele origin: germline.
Comment: This sequence change replaces valine, which is neutral and non-polar, with alanine, which is neutral and non-polar, at codon 690 of the ITGAM protein (p.Val690Ala). This variant is present in population databases (rs547963385, gnomAD 0.009%). This variant has not been reported in the literature in individuals affected with ITGAM-related conditions. ClinVar contains an entry for this variant (Variation ID: 1403242). An algorithm developed to predict the effect of missense changes on protein structure and function (PolyPhen-2) suggests that this variant is likely to be tolerated. In summary, the available evidence is currently insufficient to determine the role of this variant in disease. Therefore, it has been classified as a Variant of Uncertain Significance.

Ambry Genetics
Classification: Uncertain significance. Last evaluated: 2025-11-08. Review status: criteria provided, single submitter. Criteria: Ambry Variant Classification Scheme 2023. Collection method: clinical testing. Allele origin: germline.

NM_000632.4(ITGAM):c.2069T>C (p.Val690Ala)

Gene: ITGAM (integrin subunit alpha M; plus strand). Cytogenetic location: 16p11.2.
Variant type: single nucleotide variant.
Coding change: c.2069T>C on transcript NM_000632.4 (MANE Select); coding-DNA position 2069, T replaced by C.
Protein change: p.Val690Ala; replaces valine 690 with alanine.
Molecular consequence: missense variant.
Genome position (GRCh38, 1-based): chr16:31,324,465, T>C. VCF-style: chr16-31324465-T-C. GRCh37 (hg19) VCF-style: chr16-31335786-T-C.
Other names: c.2072T>C, p.Val691Ala (NM_001145808.2); c.2069T>C (NM_000632.3); short protein forms V690A, V691A.
Identifiers: ClinVar variation 1403242 (VCV001403242.9), dbSNP rs547963385, ClinGen allele CA280616855.